The following is an entry in ClinVar:

NM_170784.3(MKKS):c.801T>G (p.Ser267=)

Gene: MKKS (MKKS centrosomal shuttling protein; minus strand). Cytogenetic location: 20p12.2.
Variant type: single nucleotide variant.
Coding change: c.801T>G on transcript NM_170784.3 (MANE Select); coding-DNA position 801, T replaced by G.
Protein change: p.Ser267=; no amino-acid change (serine 267 retained).
Molecular consequence: synonymous variant.
Genome position (GRCh38, 1-based): chr20:10,412,714, A>C on the plus strand (T>G on the coding strand, the complement: MKKS is on the minus strand). VCF-style: chr20-10412714-A-C. GRCh37 (hg19) VCF-style: chr20-10393362-A-C.
Other names: c.801T>G, p.Ser267= (NM_018848.3).
Identifiers: ClinVar variation 2928518 (VCV002928518.6), dbSNP rs766373585, ClinGen allele CA9763623.

ClinVar aggregate classification (germline): Likely benign. Review status: criteria provided, multiple submitters, no conflicts (2 of 4 stars). 3 submissions from 3 submitters: Likely benign (2). 1 of the submissions does not count toward it. Last evaluated 2024-04-24.

Conditions:
MKKS-related disorder. Also called: MKKS-related disorders; MKKS-related condition.
Bardet-Biedl syndrome (BBS). Identifiers: Orphanet 110, MedGen C0752166, MONDO:0015229.
McKusick-Kaufman syndrome (MKKS). Also called: HYDROMETROCOLPOS SYNDROME; HYDROMETROCOLPOS, POSTAXIAL POLYDACTYLY, AND CONGENITAL HEART MALFORMATION. Identifiers: Orphanet 2473, MedGen C0948368, MONDO:0009367, OMIM 236700.

Allele frequency attached by ClinVar (database versions not stated): ExAC 0.00002; gnomAD exomes 0.00002; TOPMed 0.00002; gnomAD 0.00005.

Submissions (3):

Blueprint Genetics
Classification: Likely benign. Last evaluated: 2024-04-24. Review status: criteria provided, single submitter. Criteria: ACMG Guidelines, 2015. Collection method: clinical testing. Allele origin: germline.

Labcorp Genetics (formerly Invitae), Labcorp
Classification: Likely benign for McKusick-Kaufman syndrome; Bardet-Biedl syndrome. Last evaluated: 2023-09-22. Review status: criteria provided, single submitter. Criteria: Invitae Variant Classification Sherloc (09022015). Collection method: clinical testing. Allele origin: germline.

PreventionGenetics, part of Exact Sciences
Classification: Likely benign for MKKS-related condition. Last evaluated: 2021-03-15. Review status: no assertion criteria provided. Collection method: clinical testing. Allele origin: germline. Not counted in ClinVar's aggregate classification.
Comment: This variant is classified as likely benign based on ACMG/AMP sequence variant interpretation guidelines (Richards et al. 2015 PMID: 25741868, with internal and published modifications).